The following is an entry in ClinVar:

NM_031935.3(HMCN1):c.15460G>A (p.Gly5154Ser)

Gene: HMCN1 (hemicentin 1; plus strand). Cytogenetic location: 1q31.1.
Variant type: single nucleotide variant.
Coding change: c.15460G>A on transcript NM_031935.3 (MANE Select); coding-DNA position 15460, G replaced by A.
Protein change: p.Gly5154Ser; replaces glycine 5154 with serine.
Molecular consequence: missense variant.
Genome position (GRCh38, 1-based): chr1:186,166,828, G>A. VCF-style: chr1-186166828-G-A. GRCh37 (hg19) VCF-style: chr1-186135960-G-A.
Other names: short protein forms G5154S.
Identifiers: ClinVar variation 294293 (VCV000294293.6), dbSNP rs777284205, ClinGen allele CA1295269.

ClinVar aggregate classification (germline): Uncertain significance. Review status: criteria provided, multiple submitters, no conflicts (2 of 4 stars). 2 submissions from 2 submitters: Uncertain significance (2). Last evaluated 2025-10-14.

Conditions:
Age related macular degeneration 1 (ARMD1). Also called: MACULOPATHY, AGE-RELATED, 1. Identifiers: MedGen C1864205, MONDO:0011285, OMIM 603075.

Allele frequency attached by ClinVar (database versions not stated): gnomAD exomes 0.00001; ExAC 0.00002; TOPMed 0.00002.
gnomAD v4.1: 6 of 1,614,058 alleles (0.00037%); highest among the groups gnomAD compares: East Asian, 0.0022%; no homozygotes.

Submissions (2):

Labcorp Genetics (formerly Invitae), Labcorp
Classification: Uncertain significance. Last evaluated: 2025-10-14. Review status: criteria provided, single submitter. Criteria: Invitae Variant Classification Sherloc (09022015). Collection method: clinical testing. Allele origin: germline.
Comment: This sequence change replaces glycine, which is neutral and non-polar, with serine, which is neutral and polar, at codon 5154 of the HMCN1 protein (p.Gly5154Ser). This variant is present in population databases (rs777284205, gnomAD 0.01%). This variant has not been reported in the literature in individuals affected with HMCN1-related conditions. ClinVar contains an entry for this variant (Variation ID: 294293). An algorithm developed to predict the effect of missense changes on protein structure and function outputs the following: PolyPhen-2: "Benign". The serine amino acid residue is found in multiple mammalian species, which suggests that this missense change does not adversely affect protein function. In summary, the available evidence is currently insufficient to determine the role of this variant in disease. Therefore, it has been classified as a Variant of Uncertain Significance.

Illumina Laboratory Services, Illumina
Classification: Uncertain significance for Age related macular degeneration 1. Last evaluated: 2018-01-13. Review status: criteria provided, single submitter. Criteria: ICSL Variant Classification Criteria 13 December 2019. Collection method: clinical testing. Allele origin: germline.